The following is an entry in ClinVar:

NM_015978.3(TNNI3K):c.356C>A (p.Ser119Tyr)

Genes: FPGT-TNNI3K (FPGT-TNNI3K readthrough; plus strand), TNNI3K (TNNI3 interacting kinase; plus strand). Cytogenetic location: 1p31.1.
Variant type: single nucleotide variant.
Coding change: c.356C>A on transcript NM_015978.3 (MANE Select); coding-DNA position 356, C replaced by A.
Protein change: p.Ser119Tyr; replaces serine 119 with tyrosine.
Molecular consequence: missense variant.
Genome position (GRCh38, 1-based): chr1:74,271,620, C>A. VCF-style: chr1-74271620-C-A. GRCh37 (hg19) VCF-style: chr1-74737304-C-A.
Other names: c.659C>A, p.Ser220Tyr (NM_001112808.3, NM_001199327.2); short protein forms S220Y, S119Y.
Identifiers: ClinVar variation 1469751 (VCV001469751.8), dbSNP rs201859353, ClinGen allele CA340780536.

ClinVar aggregate classification (germline): Uncertain significance (1 of 4 stars; one submission).

Submission:

Labcorp Genetics (formerly Invitae), Labcorp
Classification: Uncertain significance. Last evaluated: 2021-04-23. Review status: criteria provided, single submitter. Criteria: Invitae Variant Classification Sherloc (09022015). Collection method: clinical testing. Allele origin: germline.
Comment: This sequence change replaces serine with tyrosine at codon 119 of the TNNI3K protein (p.Ser119Tyr). The serine residue is moderately conserved and there is a large physicochemical difference between serine and tyrosine. This variant is not present in population databases (ExAC no frequency). This variant has not been reported in the literature in individuals with TNNI3K-related conditions. Algorithms developed to predict the effect of missense changes on protein structure and function are either unavailable or do not agree on the potential impact of this missense change (SIFT: "Deleterious"; PolyPhen-2: "Benign"; Align-GVGD: "Class C15"). In summary, the available evidence is currently insufficient to determine the role of this variant in disease. Therefore, it has been classified as a Variant of Uncertain Significance.